The following is an entry in ClinVar:

NM_001256627.2(BRSK2):c.707C>T (p.Pro236Leu)

Gene: BRSK2 (BR serine/threonine kinase 2; plus strand). Cytogenetic location: 11p15.5.
Variant type: single nucleotide variant.
Coding change: c.707C>T on transcript NM_001256627.2 (MANE Select); coding-DNA position 707, C replaced by T.
Protein change: p.Pro236Leu; replaces proline 236 with leucine.
Molecular consequence: missense variant. On other transcripts: non-coding transcript variant (1).
Genome position (GRCh38, 1-based): chr11:1,443,562, C>T. VCF-style: chr11-1443562-C-T. GRCh37 (hg19) VCF-style: chr11-1464792-C-T.
Other names: c.707C>T, p.Pro236Leu (NM_001440670.1, NM_003957.4, NM_001256629.2 and 3 more transcripts); c.527C>T, p.Pro176Leu (NM_001440671.1, NM_001440672.1, NM_001440673.1 and 5 more transcripts); c.845C>T, p.Pro282Leu (NM_001256630.1, NM_001440667.1); short protein forms P176L, P236L, P282L.
Identifiers: ClinVar variation 4849552 (VCV004849552.1).

ClinVar aggregate classification (germline): Uncertain significance (1 of 4 stars; one submission).

Conditions:
Autosomal dominant non-syndromic intellectual disability. Identifiers: Orphanet 178469, MedGen C5680502, MONDO:0015802.

Submission:

Department of Human Genetics, University Hospital Bern, Inselspital
Classification: Uncertain significance for Autosomal dominant non-syndromic intellectual disability. Last evaluated: 2026-05-03. Review status: criteria provided, single submitter. Criteria: ACMG Guidelines, 2015. Collection method: research. Allele origin: de novo. Affected: yes.
Comment: The missense variant affects a highly conserved amino acid in the important kinase domain and is predicted to have a damaging effect by AlphaMissense and PrimateAI-3D. Functional assays in Drosophila indicated a loss-of-function effect. The variant has been shown to have occurred de novo and is reported 2x in gnomAD v4.1.0. In summary, criteria PS3_Moderate, PS2_Supporting, PP3_Supporting were used.

Literature cited by the submitters: PubMed 42509346.